The following is an entry in ClinVar:

ClinVar aggregate classification (germline): Uncertain significance. Review status: criteria provided, multiple submitters, no conflicts (2 of 4 stars). 4 submissions from 4 submitters: Uncertain significance (4). Last evaluated 2026-05-08.

Conditions:
NF1-related disorder. Also called: NF1-related condition. Identifiers: MedGen CN379171.
Hereditary cancer-predisposing syndrome. Also called: Tumor predisposition; Hereditary neoplastic syndrome; Hereditary Cancer Syndrome; Neoplastic Syndromes, Hereditary. Identifiers: Orphanet 140162, MedGen C0027672, MeSH D009386, MONDO:0015356.
Cardiovascular phenotype. Identifiers: MedGen CN230736.
Neurofibromatosis, type 1 (NF1). Also called: Peripheral type neurofibromatosis; Neurofibromatosis, type I; NEUROFIBROMATOSIS, TYPE I, SOMATIC; VON RECKLINGHAUSEN DISEASE. Identifiers: Orphanet 636, MedGen C0027831, MONDO:0018975, OMIM 162200. Disease mechanism: loss of function.
Juvenile myelomonocytic leukemia (JMML). Also called: LEUKEMIA, JUVENILE MYELOMONOCYTIC, SOMATIC. Identifiers: Orphanet 86834, MedGen C0349639, MONDO:0011908, OMIM 607785, HP:0012209.

Allele frequency attached by ClinVar (database versions not stated): gnomAD exomes below 0.00001; TOPMed below 0.00001.
gnomAD v4.1: 3 of 1,613,428 alleles (0.00019%); highest among the groups gnomAD compares: Non-Finnish European, 0.00025%; no homozygotes.

Submissions (4):

PreventionGenetics, part of Exact Sciences
Classification: Uncertain significance for NF1-related condition. Last evaluated: 2026-05-08. Review status: criteria provided, single submitter. Criteria: ACMG Guidelines, 2015. Collection method: clinical testing. Allele origin: germline.
Comment: The NF1 c.2001+4A>G variant is predicted to interfere with splicing. This variant is predicted to alter splicing based on available splicing prediction programs (SpliceAI, Jaganathan et al. 2019. PubMed ID: 30661751). However, the use of computer prediction programs is not equivalent to functional evidence. To our knowledge, this variant has not been reported in the literature or in a large population database (gnomAD), indicating this variant is rare. This variant is interpreted as uncertain in ClinVar (Variation ID: 1784243). At this time, the clinical significance of this variant is uncertain due to the absence of conclusive functional and genetic evidence.

Ambry Genetics
Classification: Uncertain significance for Cardiovascular phenotype; Hereditary cancer-predisposing syndrome. Last evaluated: 2025-02-07. Review status: criteria provided, single submitter. Criteria: Ambry Variant Classification Scheme 2023. Collection method: clinical testing. Allele origin: germline.
Comment: The c.2001+4A>G intronic variant results from an A to G substitution 4 nucleotides after coding exon 17 in the NF1 gene. This nucleotide position is well conserved in available vertebrate species. In silico splice site analysis predicts that this alteration may result in the creation or strengthening of a novel splice donor site; however, direct evidence is insufficient at this time (Ambry internal data). Based on the available evidence, the clinical significance of this variant remains unclear.

Labcorp Genetics (formerly Invitae), Labcorp
Classification: Uncertain significance for Neurofibromatosis, type 1. Last evaluated: 2025-01-12. Review status: criteria provided, single submitter. Criteria: Invitae Variant Classification Sherloc (09022015). Collection method: clinical testing. Allele origin: germline.
Comment: This sequence change falls in intron 17 of the NF1 gene. It does not directly change the encoded amino acid sequence of the NF1 protein. It affects a nucleotide within the consensus splice site. This variant is not present in population databases (gnomAD no frequency). This variant has not been reported in the literature in individuals affected with NF1-related conditions. ClinVar contains an entry for this variant (Variation ID: 1784243). Variants that disrupt the consensus splice site are a relatively common cause of aberrant splicing (PMID: 17576681, 9536098). RNA analysis performed to evaluate the impact of this variant on mRNA splicing indicates it does not significantly alter splicing (internal data). In summary, the available evidence is currently insufficient to determine the role of this variant in disease. Therefore, it has been classified as a Variant of Uncertain Significance.

Baylor Genetics
Classification: Uncertain significance for Juvenile myelomonocytic leukemia. Last evaluated: 2024-01-08. Review status: criteria provided, single submitter. Criteria: ACMG Guidelines, 2015. Collection method: clinical testing. Allele origin: unknown.

Literature cited by the submitters: PubMed 17576681 (cited by Labcorp Genetics (formerly Invitae), Labcorp); PubMed 9536098 (cited by Labcorp Genetics (formerly Invitae), Labcorp).

NM_001042492.3(NF1):c.2001+4A>G

Gene: NF1 (neurofibromin 1; plus strand). Cytogenetic location: 17q11.2.
Variant type: single nucleotide variant.
Coding change: c.2001+4A>G on transcript NM_001042492.3 (MANE Select); 4 bases into the intron after coding-DNA position 2001, A replaced by G.
Molecular consequence: intron variant.
Genome position (GRCh38, 1-based): chr17:31,225,254, A>G. VCF-style: chr17-31225254-A-G. GRCh37 (hg19) VCF-style: chr17-29552272-A-G.
Other names: c.2001+4A>G (NM_000267.4).
Identifiers: ClinVar variation 1784243 (VCV001784243.10), dbSNP rs2066994164, ClinGen allele CA2255562403.